The following is an entry in ClinVar:

ClinVar aggregate classification (germline): Uncertain significance (1 of 4 stars; one submission).

Conditions:
Ehlers-Danlos syndrome, type 4 (EDSVASC). Also called: Ehlers-Danlos syndrome vascular type; Ehlers Danlos syndrome, ecchymotic type; Ehlers Danlos syndrome, arterial type; Ehlers Danlos syndrome, Sack-Barabas type; Ehlers-Danlos Syndrome Type IV. Identifiers: Orphanet 286, MedGen C0268338, MONDO:0017314, OMIM 130050.

Submission:

Labcorp Genetics (formerly Invitae), Labcorp
Classification: Uncertain significance for Ehlers-Danlos syndrome, type 4. Last evaluated: 2025-03-11. Review status: criteria provided, single submitter. Criteria: Invitae Variant Classification Sherloc (09022015). Collection method: clinical testing. Allele origin: germline.
Comment: This sequence change replaces proline, which is neutral and non-polar, with arginine, which is basic and polar, at codon 1057 of the COL3A1 protein (p.Pro1057Arg). This variant is not present in population databases (gnomAD no frequency). This variant has not been reported in the literature in individuals affected with COL3A1-related conditions. ClinVar contains an entry for this variant (Variation ID: 644704). Invitae Evidence Modeling of protein sequence and biophysical properties (such as structural, functional, and spatial information, amino acid conservation, physicochemical variation, residue mobility, and thermodynamic stability) has been performed for this missense variant. However, the output from this modeling did not meet the statistical confidence thresholds required to predict the impact of this variant on COL3A1 protein function. In summary, the available evidence is currently insufficient to determine the role of this variant in disease. Therefore, it has been classified as a Variant of Uncertain Significance.

NM_000090.4(COL3A1):c.3170C>G (p.Pro1057Arg)

Gene: COL3A1 (collagen type III alpha 1 chain; plus strand). Cytogenetic location: 2q32.2.
Variant type: single nucleotide variant.
Coding change: c.3170C>G on transcript NM_000090.4 (MANE Select); coding-DNA position 3170, C replaced by G.
Protein change: p.Pro1057Arg; replaces proline 1057 with arginine.
Molecular consequence: missense variant.
Genome position (GRCh38, 1-based): chr2:189,006,421, C>G. VCF-style: chr2-189006421-C-G. GRCh37 (hg19) VCF-style: chr2-189871147-C-G.
Other names: short protein forms P1057R.
Identifiers: ClinVar variation 644704 (VCV000644704.11), dbSNP rs1576471860, ClinGen allele CA349845148.